The following is an entry in ClinVar:

ClinVar aggregate classification (germline): Uncertain significance. Review status: criteria provided, multiple submitters, no conflicts (2 of 4 stars). 2 submissions from 2 submitters: Uncertain significance (2). Last evaluated 2022-10-04.

Conditions:
Long QT syndrome (LQTS). Identifiers: MedGen C0023976, MeSH D008133, MONDO:0002442. Disease mechanism: loss of function. Inheritance: Various modes of inheritance.
Cardiovascular phenotype. Identifiers: MedGen CN230736.

Allele frequency attached by ClinVar (database versions not stated): TOPMed below 0.00001; ExAC 0.00001; gnomAD exomes 0.00001.
gnomAD v4.1: 7 of 1,613,876 alleles (0.00043%); highest among the groups gnomAD compares: South Asian, 0.0022%; no homozygotes.

Submissions (2):

Labcorp Genetics (formerly Invitae), Labcorp
Classification: Uncertain significance for Long QT syndrome. Last evaluated: 2022-10-04. Review status: criteria provided, single submitter. Criteria: Invitae Variant Classification Sherloc (09022015). Collection method: clinical testing. Allele origin: germline.
Comment: This sequence change replaces glutamic acid, which is acidic and polar, with lysine, which is basic and polar, at codon 2718 of the AKAP9 protein (p.Glu2718Lys). This variant is not present in population databases (gnomAD no frequency). This variant has not been reported in the literature in individuals affected with AKAP9-related conditions. Algorithms developed to predict the effect of missense changes on protein structure and function are either unavailable or do not agree on the potential impact of this missense change (SIFT: "Deleterious"; PolyPhen-2: "Possibly Damaging"; Align-GVGD: "Class C0"). In summary, the available evidence is currently insufficient to determine the role of this variant in disease. Therefore, it has been classified as a Variant of Uncertain Significance.

Ambry Genetics
Classification: Uncertain significance for Cardiovascular phenotype. Last evaluated: 2022-06-03. Review status: criteria provided, single submitter. Criteria: Ambry Variant Classification Scheme 2023. Collection method: clinical testing. Allele origin: germline.
Comment: The p.E2718K variant (also known as c.8152G>A), located in coding exon 32 of the AKAP9 gene, results from a G to A substitution at nucleotide position 8152. The glutamic acid at codon 2718 is replaced by lysine, an amino acid with similar properties. This amino acid position is well conserved in available vertebrate species. In addition, this alteration is predicted to be tolerated by in silico analysis. The evidence for this gene-disease relationship is limited; therefore, the clinical significance of this alteration is unclear.

NM_005751.5(AKAP9):c.8152G>A (p.Glu2718Lys)

Gene: AKAP9 (A-kinase anchoring protein 9; plus strand). Cytogenetic location: 7q21.2.
Variant type: single nucleotide variant.
Coding change: c.8152G>A on transcript NM_005751.5 (MANE Select); coding-DNA position 8152, G replaced by A.
Protein change: p.Glu2718Lys; replaces glutamic acid 2718 with lysine.
Molecular consequence: missense variant.
Genome position (GRCh38, 1-based): chr7:92,082,654, G>A. VCF-style: chr7-92082654-G-A. GRCh37 (hg19) VCF-style: chr7-91711968-G-A.
Other names: c.2797G>A, p.Glu933Lys (NM_001379277.1); c.8128G>A, p.Glu2710Lys (NM_147185.3); short protein forms E2710K, E2718K, E933K.
Identifiers: ClinVar variation 1762198 (VCV001762198.7), dbSNP rs754507617, ClinGen allele CA4337423.
Genomic context (GRCh38, chr7:92,082,654, plus strand): 5'-TCAGTGGCTACCAAAGCAGAACTTGCCAGTTATAAAGAAAAGGCTGAAAAACTTCAAGAA[G>A]AGCTTTTGGTAAGATAAGTAACATAGCTCCTAATTCACTCATTTCTACCTATCTTAATTA-3'
Protein context (NP_005742.4, residues 2708-2728): YKEKAEKLQE[Glu2718Lys]LLVKETNMTS